The following is an entry in ClinVar:

NM_006842.3(SF3B2):c.47C>G (p.Pro16Arg)

Genes: SF3B2 (splicing factor 3b subunit 2; plus strand), LOC130006094 (ATAC-STARR-seq lymphoblastoid active region 5028; plus strand). Cytogenetic location: 11q13.1.
Variant type: single nucleotide variant.
Coding change: c.47C>G on transcript NM_006842.3 (MANE Select); coding-DNA position 47, C replaced by G.
Protein change: p.Pro16Arg; replaces proline 16 with arginine.
Molecular consequence: missense variant.
Genome position (GRCh38, 1-based): chr11:66,052,431, C>G. VCF-style: chr11-66052431-C-G. GRCh37 (hg19) VCF-style: chr11-65819902-C-G.
Other names: short protein forms P16R.
Identifiers: ClinVar variation 5009542 (VCV005009542.1).

ClinVar aggregate classification (germline): Uncertain significance (1 of 4 stars; one submission).

Submission:

GeneDx
Classification: Uncertain significance. Last evaluated: 2026-03-20. Review status: criteria provided, single submitter. Criteria: GeneDx Variant Classification Process June 2021. Collection method: clinical testing. Allele origin: germline.
Comment: Not observed at significant frequency in large population cohorts (gnomAD); In silico analysis supports that this missense variant has a deleterious effect on protein structure/function; Has not been previously published as pathogenic or benign to our knowledge